The following is an entry in ClinVar:

NM_003265.3(TLR3):c.260T>C (p.Ile87Thr)

Gene: TLR3 (toll like receptor 3; plus strand). Cytogenetic location: 4q35.1.
Variant type: single nucleotide variant.
Coding change: c.260T>C on transcript NM_003265.3 (MANE Select); coding-DNA position 260, T replaced by C.
Protein change: p.Ile87Thr; replaces isoleucine 87 with threonine.
Molecular consequence: missense variant.
Genome position (GRCh38, 1-based): chr4:186,076,879, T>C. VCF-style: chr4-186076879-T-C. GRCh37 (hg19) VCF-style: chr4-186998033-T-C.
Other names: short protein forms I87T.
Identifiers: ClinVar variation 4726245 (VCV004726245.1).

ClinVar aggregate classification (germline): Uncertain significance (1 of 4 stars; one submission).

Conditions:
Encephalopathy, acute, infection-induced (herpes-specific), susceptibility to, 1. Also called: Herpes simplex encephalitis, susceptibility to, 1. Identifiers: Orphanet 1930, MedGen C2750180, MONDO:0024563, OMIM 610551.

gnomAD v4.1: 6 of 1,614,176 alleles (0.00037%); highest among the groups gnomAD compares: African/African-American, 0.0013%; no homozygotes.

Submission:

Labcorp Genetics (formerly Invitae), Labcorp
Classification: Uncertain significance for Encephalopathy, acute, infection-induced (herpes-specific), susceptibility to, 1. Last evaluated: 2025-06-11. Review status: criteria provided, single submitter. Criteria: Invitae Variant Classification Sherloc (09022015). Collection method: clinical testing. Allele origin: germline.
Comment: This sequence change replaces isoleucine, which is neutral and non-polar, with threonine, which is neutral and polar, at codon 87 of the TLR3 protein (p.Ile87Thr). This variant is present in population databases (no rsID available, gnomAD 0.002%). This variant has not been reported in the literature in individuals affected with TLR3-related conditions. An algorithm developed to predict the effect of missense changes on protein structure and function (PolyPhen-2) suggests that this variant is likely to be disruptive. In summary, the available evidence is currently insufficient to determine the role of this variant in disease. Therefore, it has been classified as a Variant of Uncertain Significance.